The following is an entry in ClinVar:

NM_016038.4(SBDS):c.24C>A (p.Asn8Lys)

Gene: SBDS (SBDS ribosome maturation factor; minus strand). Cytogenetic location: 7q11.21.
Variant type: single nucleotide variant.
Coding change: c.24C>A on transcript NM_016038.4 (MANE Select); coding-DNA position 24, C replaced by A.
Protein change: p.Asn8Lys; replaces asparagine 8 with lysine.
Molecular consequence: missense variant.
Genome position (GRCh38, 1-based): chr7:66,995,394, G>T on the plus strand (C>A on the coding strand, the complement: SBDS is on the minus strand). VCF-style: chr7-66995394-G-T. GRCh37 (hg19) VCF-style: chr7-66460381-G-T.
Other names: NM_016038.2:c.24C>A(p.Asn8Lys); c.24C>A, p.Asn8Lys (LRG_104t1); short protein forms N8K.
Identifiers: ClinVar variation 3197 (VCV000003197.3), dbSNP rs28942099, ClinGen allele CA252613.

ClinVar aggregate classification (germline): Uncertain significance. Review status: criteria provided, single submitter (1 of 4 stars). 2 submissions from 2 submitters: Uncertain significance (1). 1 of the submissions does not count toward it. Last evaluated 2018-04-16.

Conditions:
Shwachman-Diamond syndrome 1 (SDS1). Also called: LIPOMATOSIS OF PANCREAS, CONGENITAL. Identifiers: MedGen C4692625, MONDO:0044204, OMIM 260400.

Submissions (2):

SIB Swiss Institute of Bioinformatics
Classification: Uncertain significance for Shwachman-Diamond syndrome 1. Last evaluated: 2018-04-16. Review status: criteria provided, single submitter. Criteria: ACMG Guidelines, 2015. Collection method: curation. Allele origin: germline.
Comment: This variant is interpreted as a Uncertain Significance, for Shwachman-Diamond syndrome, Autosomal Recessive inheritance. The following ACMG Tag(s) were applied: PM2 => Absent from controls (or at extremely low frequency if recessive) in Exome Sequencing Project, 1000 Genomes Project, or Exome Aggregation Consortium. PP3 => Multiple lines of computational evidence support a deleterious effect on the gene or gene product.

OMIM
Classification: Pathogenic for SHWACHMAN-DIAMOND SYNDROME 1. Last evaluated: 2003-01-01. Review status: no assertion criteria provided. Collection method: literature only. Allele origin: germline. Not counted in ClinVar's aggregate classification.

Literature cited by the submitters: PubMed 12496757 (cited by SIB Swiss Institute of Bioinformatics and OMIM).